The following is an entry in ClinVar:

NM_001267550.2(TTN):c.7214T>C (p.Ile2405Thr)

Genes: TTN (titin; minus strand), LOC126806433 (BRD4-independent group 4 enhancer GRCh37_chr2:179638309-179639508; plus strand). Cytogenetic location: 2q31.2.
Variant type: single nucleotide variant.
Coding change: c.7214T>C on transcript NM_001267550.2 (MANE Select); coding-DNA position 7214, T replaced by C.
Protein change: p.Ile2405Thr; replaces isoleucine 2405 with threonine.
Molecular consequence: missense variant.
Genome position (GRCh38, 1-based): chr2:178,773,954, A>G on the plus strand (T>C on the coding strand, the complement: TTN is on the minus strand). VCF-style: chr2-178773954-A-G. GRCh37 (hg19) VCF-style: chr2-179638681-A-G.
Other names: c.7214T>C, p.Ile2405Thr (NM_001256850.1, NM_133378.4, NM_133379.5); c.7076T>C, p.Ile2359Thr (NM_003319.4, NM_133432.3, NM_133437.4); short protein forms I2359T, I2405T.
Identifiers: ClinVar variation 2438174 (VCV002438174.4), dbSNP rs776126188, ClinGen allele CA2004871.

ClinVar aggregate classification (germline): Uncertain significance. Review status: criteria provided, multiple submitters, no conflicts (2 of 4 stars). 2 submissions from 2 submitters: Uncertain significance (2). Last evaluated 2026-08-01.

Allele frequency attached by ClinVar (database versions not stated): gnomAD exomes below 0.00001; TOPMed below 0.00001; ExAC 0.00001.
gnomAD v4.1: 6 of 1,614,088 alleles (0.00037%); highest among the groups gnomAD compares: Non-Finnish European, 0.00051%; no homozygotes.

Submissions (2):

CeGaT Center for Human Genetics Tuebingen
Classification: Uncertain significance. Last evaluated: 2026-08-01. Review status: criteria provided, single submitter. Criteria: CeGaT Center For Human Genetics Tuebingen Variant Classification Criteria Version 2. Collection method: clinical testing. Allele origin: germline. Affected: yes. Observed: 1 variant allele.
Comment: TTN: PM2

Revvity Omics, Revvity
Classification: Uncertain significance. Last evaluated: 2022-04-29. Review status: criteria provided, single submitter. Criteria: ACMG Guidelines, 2015. Collection method: clinical testing. Allele origin: germline.